The following is an entry in ClinVar:

ClinVar aggregate classification (germline): Likely pathogenic (1 of 4 stars; one submission).

Conditions:
HNF4A-related disorder. Also called: HNF4A-related condition.

Submission:

PreventionGenetics, part of Exact Sciences
Classification: Likely pathogenic for HNF4A-related condition. Last evaluated: 2023-09-19. Review status: criteria provided, single submitter. Criteria: ACMG Guidelines, 2015. Collection method: clinical testing. Allele origin: germline.
Comment: The HNF4A c.224+2T>G variant is predicted to disrupt the GT donor site and interfere with normal splicing. To our knowledge, this variant has not been reported in the literature or in a large population database, indicating this variant is rare. Variants that disrupt the consensus splice donor site in HNF4A are expected to be pathogenic. This variant is interpreted as likely pathogenic.

NM_175914.5(HNF4A):c.224+2T>G

Gene: HNF4A (hepatocyte nuclear factor 4 alpha; plus strand). Cytogenetic location: 20q13.12.
Variant type: single nucleotide variant.
Coding change: c.224+2T>G on transcript NM_175914.5 (MANE Select); the canonical splice donor site of the intron after coding-DNA position 224, T replaced by G.
Molecular consequence: splice donor variant.
Genome position (GRCh38, 1-based): chr20:44,406,234, T>G. VCF-style: chr20-44406234-T-G. GRCh37 (hg19) VCF-style: chr20-43034874-T-G.
Other names: c.215+2T>G (NM_001287182.2, NM_001287183.2, NM_001287184.2); c.224+2T>G (NM_001030003.3, NM_001030004.3); c.269+2T>G (NM_001258355.2); c.290+2T>G (NM_178849.3, NM_000457.6, NM_178850.3).
Identifiers: ClinVar variation 2630682 (VCV002630682.1), dbSNP rs1057524790, ClinGen allele CA409104038.